The following is an entry in ClinVar:

NM_001171.6(ABCC6):c.2049G>A (p.Val683=)

Gene: ABCC6 (ATP binding cassette subfamily C member 6; minus strand). Cytogenetic location: 16p13.11.
Variant type: single nucleotide variant.
Coding change: c.2049G>A on transcript NM_001171.6 (MANE Select); coding-DNA position 2049, G replaced by A.
Protein change: p.Val683=; no amino-acid change (valine 683 retained).
Molecular consequence: synonymous variant. On other transcripts: non-coding transcript variant (1).
Genome position (GRCh38, 1-based): chr16:16,182,825, C>T on the plus strand (G>A on the coding strand, the complement: ABCC6 is on the minus strand). VCF-style: chr16-16182825-C-T. GRCh37 (hg19) VCF-style: chr16-16276682-C-T.
Other names: c.1707G>A, p.Val569= (NM_001351800.1).
Identifiers: ClinVar variation 1575457 (VCV001575457.29), dbSNP rs372511255, ClinGen allele CA7926045.
Genomic context (GRCh38, chr16:16,182,825, plus strand): 5'-ATGGGGACATCCTAGCAGACAGGCTGGGGGTGGCCTCACCTCGATGCTCACGAACCCCTC[C>T]ACCTTTGACAGCTCCCCAAGGAGGGCGGACAGCAGGGAGGACTTCCCTGCCCCCACTGGA-3'
Protein context (NP_001162.5, residues 673-693): LSALLGELSK[Val683=]EGFVSIEGAV

ClinVar aggregate classification (germline): Conflicting classifications of pathogenicity. Review status: criteria provided, conflicting classifications (1 of 4 stars). 3 submissions from 3 submitters: Uncertain significance (1); Likely benign (2). Last evaluated 2026-01-26.

Allele frequency attached by ClinVar (database versions not stated): ExAC 0.00003; TOPMed 0.00003; gnomAD 0.00004; gnomAD exomes 0.00005; ESP Exome Variant Server 0.00008.
gnomAD v4.1: 71 of 1,613,936 alleles (0.0044%); highest among the groups gnomAD compares: Non-Finnish European, 0.0059%; no homozygotes.

Submissions (3):

Labcorp Genetics (formerly Invitae), Labcorp
Classification: Likely benign. Last evaluated: 2026-01-26. Review status: criteria provided, single submitter. Criteria: Invitae Variant Classification Sherloc (09022015). Collection method: clinical testing. Allele origin: germline.

CeGaT Center for Human Genetics Tuebingen
Classification: Uncertain significance. Last evaluated: 2024-07-01. Review status: criteria provided, single submitter. Criteria: CeGaT Center For Human Genetics Tuebingen Variant Classification Criteria Version 2. Collection method: clinical testing. Allele origin: germline. Affected: yes. Observed: 2 variant alleles.
Comment: ABCC6: PM2:Supporting

Blueprint Genetics
Classification: Likely benign. Last evaluated: 2024-04-29. Review status: criteria provided, single submitter. Criteria: ACMG Guidelines, 2015. Collection method: clinical testing. Allele origin: germline.